The following is an entry in ClinVar:

ClinVar aggregate classification (germline): Pathogenic. Review status: criteria provided, multiple submitters, no conflicts (2 of 4 stars). 4 submissions from 4 submitters: Pathogenic (4). Last evaluated 2024-05-08.

Conditions:
Hereditary cancer-predisposing syndrome. Also called: Hereditary Cancer Syndrome; Neoplastic Syndromes, Hereditary; Tumor predisposition; Hereditary neoplastic syndrome. Identifiers: Orphanet 140162, MedGen C0027672, MeSH D009386, MONDO:0015356.
Ataxia-telangiectasia syndrome (AT). Also called: Cerebello-oculocutaneous telangiectasia; Immunodeficiency with ataxia telangiectasia; Ataxia-telangiectasia, complementation group E; Ataxia-telangiectasia, complementation group D; AT, COMPLEMENTATION GROUP C; ATAXIA-TELANGIECTASIA, COMPLEMENTATION GROUP A. Identifiers: Orphanet 100, MedGen C0004135, MONDO:0008840, OMIM 208900.
Familial cancer of breast. Also called: BREAST CANCER, FAMILIAL; Hereditary breast cancer; hereditary breast carcinoma. Identifiers: Orphanet 227535, MedGen C0346153, MONDO:0016419, OMIM 114480. Disease mechanism: loss of function.

Submissions (4):

Ambry Genetics
Classification: Pathogenic for Hereditary cancer-predisposing syndrome. Last evaluated: 2024-05-08. Review status: criteria provided, single submitter. Criteria: Ambry Variant Classification Scheme 2023. Collection method: clinical testing. Allele origin: germline.
Comment: The c.8484delA pathogenic mutation, located in coding exon 57 of the ATM gene, results from a deletion of one nucleotide at nucleotide position 8484, causing a translational frameshift with a predicted alternate stop codon (p.Q2828Hfs*29). This variant has been identified in conjunction with another ATM variant in two siblings who met clinical criteria for ataxia telangiectasia (Soresina A et al. Neuropediatrics, 2008 Feb;39:43-5). This variant is considered to be rare based on population cohorts in the Genome Aggregation Database (gnomAD). In addition to the clinical data presented in the literature, this alteration is expected to result in loss of function by premature protein truncation or nonsense-mediated mRNA decay. As such, this alteration is interpreted as a disease-causing mutation.

Myriad Genetics, Inc.
Classification: Pathogenic for Familial cancer of breast. Last evaluated: 2024-02-02. Review status: criteria provided, single submitter. Criteria: Myriad Autosomal Dominant, Autosomal Recessive and X-Linked Classification Criteria (2023). Collection method: clinical testing. Allele origin: unknown.
Comment: This variant is considered pathogenic. This variant creates a frameshift predicted to result in premature protein truncation.

Labcorp Genetics (formerly Invitae), Labcorp
Classification: Pathogenic for Ataxia-telangiectasia syndrome. Last evaluated: 2022-07-11. Review status: criteria provided, single submitter. Criteria: Invitae Variant Classification Sherloc (09022015). Collection method: clinical testing. Allele origin: germline.
Comment: This premature translational stop signal has been observed in individual(s) with ataxia telangiectasia (PMID: 18504682). For these reasons, this variant has been classified as Pathogenic. ClinVar contains an entry for this variant (Variation ID: 584799). This variant is not present in population databases (gnomAD no frequency). This sequence change creates a premature translational stop signal (p.Gln2828Hisfs*29) in the ATM gene. It is expected to result in an absent or disrupted protein product. Loss-of-function variants in ATM are known to be pathogenic (PMID: 23807571, 25614872).

Mendelics
Classification: Pathogenic for Ataxia-telangiectasia syndrome. Last evaluated: 2018-07-02. Review status: criteria provided, single submitter. Criteria: Mendelics Assertion Criteria 2017. Collection method: clinical testing. Allele origin: unknown.

Literature cited by the submitters: PubMed 18504682 (cited by Ambry Genetics and Labcorp Genetics (formerly Invitae), Labcorp); PubMed 23807571 (cited by Labcorp Genetics (formerly Invitae), Labcorp); PubMed 25614872 (cited by Labcorp Genetics (formerly Invitae), Labcorp).

NM_000051.4(ATM):c.8484del (p.Gln2828fs)

Genes: ATM (ATM serine/threonine kinase; plus strand), C11orf65 (chromosome 11 open reading frame 65; minus strand). Cytogenetic location: 11q22.3.
Variant type: Deletion.
Coding change: c.8484del on transcript NM_000051.4 (MANE Select); coding-DNA position 8484, one base deleted (A; older notation c.8484delA).
Protein change: p.Gln2828fs; shifts the reading frame from glutamine 2828.
Molecular consequence: frameshift variant. On other transcripts: intron variant (2).
Genome position (GRCh38, 1-based): chr11:108,345,808, A deleted; the last of 2 consecutive A bases (chr11:108,345,807-108,345,808); deleting either gives the same sequence. VCF-style (leftmost placement, unchanged base first): chr11-108345806-CA-C. GRCh37 (hg19) VCF-style: chr11-108216533-CA-C.
Other names: c.8484del, p.Gln2828fs (NM_001351834.2); c.641-36736del (NM_001330368.2); c.695-10515del (NM_001351110.2); short protein forms Q2828fs.
Identifiers: ClinVar variation 584799 (VCV000584799.10), dbSNP rs1565563579, ClinGen allele CA891842783.